The following is an entry in ClinVar:

NM_003072.5(SMARCA4):c.3817C>T (p.His1273Tyr)

Gene: SMARCA4 (SWI/SNF related BAF chromatin remodeling complex subunit ATPase 4; plus strand). Cytogenetic location: 19p13.2.
Variant type: single nucleotide variant.
Coding change: c.3817C>T on transcript NM_003072.5 (MANE Select); coding-DNA position 3817, C replaced by T.
Protein change: p.His1273Tyr; replaces histidine 1273 with tyrosine.
Molecular consequence: missense variant. On other transcripts: intron variant (6).
Genome position (GRCh38, 1-based): chr19:11,033,809, C>T. VCF-style: chr19-11033809-C-T. GRCh37 (hg19) VCF-style: chr19-11144485-C-T.
Other names: c.3817C>T, p.His1273Tyr (NM_001128844.3, NM_001128849.3, NM_001387283.1); c.3774+292C>T (NM_001128847.4, NM_001411150.1, NM_001374457.1 and 3 more transcripts); short protein forms H1273Y.
Identifiers: ClinVar variation 4811175 (VCV004811175.1).
Genomic context (GRCh38, chr19:11,033,809, plus strand): 5'-TCCTCTATTTATCCACAGAGCAGACACTGCAGCACGGGCAGCGGCAGTGCCAGCTTCGCC[C>T]ACACTGCCCCTCCGCCAGCGGGCGTCAACCCCGACTTGGAGGAGCCACCTCTAAAGGTGA-3'
Protein context (NP_003063.2, residues 1263-1283): STGSGSASFA[His1273Tyr]TAPPPAGVNP

ClinVar aggregate classification (germline): Uncertain significance (1 of 4 stars; one submission).

Conditions:
Rhabdoid tumor predisposition syndrome 2 (RTPS2). Identifiers: Orphanet 231108, Orphanet 69077, MedGen C2750074, MONDO:0013224, OMIM 613325.

Submission:

Labcorp Genetics (formerly Invitae), Labcorp
Classification: Uncertain significance for Rhabdoid tumor predisposition syndrome 2. Last evaluated: 2025-10-13. Review status: criteria provided, single submitter. Criteria: Invitae Variant Classification Sherloc (09022015). Collection method: clinical testing. Allele origin: germline.
Comment: This sequence change replaces histidine, which is basic and polar, with tyrosine, which is neutral and polar, at codon 1273 of the SMARCA4 protein (p.His1273Tyr). This variant is not present in population databases (gnomAD no frequency). This variant has not been reported in the literature in individuals affected with SMARCA4-related conditions. An algorithm developed to predict the effect of missense changes on protein structure and function (PolyPhen-2) suggests that this variant is likely to be tolerated. In summary, the available evidence is currently insufficient to determine the role of this variant in disease. Therefore, it has been classified as a Variant of Uncertain Significance.